The following is an entry in ClinVar:

ClinVar aggregate classification (germline): Benign. Review status: criteria provided, multiple submitters, no conflicts (2 of 4 stars). 13 submissions from 12 submitters: Benign (10). 3 of the submissions do not count toward it. Last evaluated 2026-05-08.

Conditions:
Ellis-van Creveld syndrome (EVC). Also called: Chondroectodermal dysplasia; MESOECTODERMAL DYSPLASIA. Identifiers: Orphanet 289, MedGen C0013903, MONDO:0009162, OMIM 225500.
Curry-Hall syndrome (WAD). Also called: WEYERS ACRODENTAL DYSOSTOSIS. Identifiers: Orphanet 952, MedGen C0457013, MONDO:0008673, OMIM 193530.

Allele frequency attached by ClinVar (database versions not stated): ESP Exome Variant Server 0.22185; TOPMed 0.26511; 1000 Genomes Project 30x 0.32495; 1000 Genomes Project 0.33387.
gnomAD v4.1: 506,963 of 1,550,636 alleles (33%); highest among the groups gnomAD compares: South Asian, 52%; 87,731 homozygotes.

Submissions (13):

Women's Health and Genetics/Laboratory Corporation of America, LabCorp
Classification: Benign. Last evaluated: 2026-05-08. Review status: criteria provided, single submitter. Criteria: LabCorp Variant Classification Summary - May 2015. Collection method: clinical testing. Allele origin: germline.

Labcorp Genetics (formerly Invitae), Labcorp
Classification: Benign for Curry-Hall syndrome; Ellis-van Creveld syndrome. Last evaluated: 2026-02-04. Review status: criteria provided, single submitter. Criteria: Invitae Variant Classification Sherloc (09022015). Collection method: clinical testing. Allele origin: germline.

ARUP Laboratories, Molecular Genetics and Genomics, ARUP Laboratories
Classification: Benign. Last evaluated: 2025-06-26. Review status: criteria provided, single submitter. Criteria: ARUP Molecular Germline Variant Investigation Process 2024. Collection method: clinical testing. Allele origin: germline.

Blueprint Genetics
Classification: Benign. Last evaluated: 2024-11-26. Review status: criteria provided, single submitter. Criteria: ACMG Guidelines, 2015. Collection method: clinical testing. Allele origin: germline.

Genome-Nilou Lab
Classification: Benign for Curry-Hall syndrome. Last evaluated: 2021-07-30. Review status: criteria provided, single submitter. Criteria: ACMG Guidelines, 2015. Collection method: clinical testing. Allele origin: germline. Affected: no.

Genome-Nilou Lab
Classification: Benign for Ellis-van Creveld syndrome. Last evaluated: 2021-07-30. Review status: criteria provided, single submitter. Criteria: ACMG Guidelines, 2015. Collection method: clinical testing. Allele origin: germline. Affected: no.

Illumina Laboratory Services, Illumina
Classification: Benign for Ellis-van Creveld syndrome. Last evaluated: 2018-01-13. Review status: criteria provided, single submitter. Criteria: ICSL Variant Classification Criteria 13 December 2019. Collection method: clinical testing. Allele origin: germline.
Comment: This variant was observed in the ICSL laboratory as part of a predisposition screen in an ostensibly healthy population. It had not been previously curated by ICSL or reported in the Human Gene Mutation Database (HGMD: prior to June 1st, 2018), and was therefore a candidate for classification through an automated scoring system. Utilizing variant allele frequency, disease prevalence and penetrance estimates, and inheritance mode, an automated score was calculated to assess if this variant is too frequent to cause the disease. Based on the score and internal cut-off values, a variant classified as benign is not then subjected to further curation. The score for this variant resulted in a classification of benign for this disease.

GeneDx
Classification: Benign. Last evaluated: 2016-03-03. Review status: criteria provided, single submitter. Criteria: GeneDx Variant Classification (06012015). Collection method: clinical testing. Allele origin: germline. Affected: yes.
Comment: This variant is considered likely benign or benign based on one or more of the following criteria: it is a conservative change, it occurs at a poorly conserved position in the protein, it is predicted to be benign by multiple in silico algorithms, and/or has population frequency not consistent with disease.

Breakthrough Genomics
Classification: Benign. Review status: criteria provided, single submitter. Criteria: ACMG Guidelines, 2015. Collection method: not provided. Allele origin: germline. Inheritance: Autosomal recessive inheritance. Affected: yes.

PreventionGenetics, part of Exact Sciences
Classification: Benign. Review status: criteria provided, single submitter. Criteria: ACMG Guidelines, 2015. Collection method: clinical testing. Allele origin: germline.

Natera, Inc.
Classification: Benign for Ellis-van Creveld syndrome. Last evaluated: 2020-09-16. Review status: no assertion criteria provided. Collection method: clinical testing. Allele origin: germline. Not counted in ClinVar's aggregate classification.

Diagnostic Laboratory, Department of Genetics, University Medical Center Groningen
Classification: Benign. Review status: no assertion criteria provided. Collection method: clinical testing. Allele origin: germline. Affected: yes. Study: VKGL Data-share Consensus. Not counted in ClinVar's aggregate classification.

Joint Genome Diagnostic Labs from Nijmegen and Maastricht, Radboudumc and MUMC+
Classification: Benign. Review status: no assertion criteria provided. Collection method: clinical testing. Allele origin: germline. Affected: yes. Study: VKGL Data-share Consensus. Not counted in ClinVar's aggregate classification.

NM_153717.3(EVC):c.1854C>T (p.Gly618=)

Gene: EVC (EvC ciliary complex subunit 1; plus strand). Cytogenetic location: 4p16.2.
Variant type: single nucleotide variant.
Coding change: c.1854C>T on transcript NM_153717.3 (MANE Select); coding-DNA position 1854, C replaced by T.
Protein change: p.Gly618=; no amino-acid change (glycine 618 retained).
Molecular consequence: synonymous variant.
Genome position (GRCh38, 1-based): chr4:5,793,685, C>T. VCF-style: chr4-5793685-C-T. GRCh37 (hg19) VCF-style: chr4-5795412-C-T.
Other names: c.1854C>T, p.Gly618= (NM_001306090.2).
Identifiers: ClinVar variation 262769 (VCV000262769.43), dbSNP rs11737221, ClinGen allele CA2836284.